The following is an entry in ClinVar:

ClinVar aggregate classification (germline): Uncertain significance. Review status: criteria provided, multiple submitters, no conflicts (2 of 4 stars). 2 submissions from 2 submitters: Uncertain significance (2). Last evaluated 2024-03-21.

Conditions:
Autosomal systemic lupus erythematosus type 16. Also called: Systemic lupus erythematosus 16. Identifiers: Orphanet 300345, MedGen C3280742, MONDO:0013743, OMIM 614420.

Allele frequency attached by ClinVar (database versions not stated): gnomAD 0.00002; gnomAD exomes 0.00002; ExAC 0.00003; TOPMed 0.00003; ESP Exome Variant Server 0.00015.
gnomAD v4.1: 27 of 1,611,318 alleles (0.0017%); highest among the groups gnomAD compares: Middle Eastern, 0.016%; no homozygotes.

Submissions (2):

Fulgent Genetics
Classification: Uncertain significance for Autosomal systemic lupus erythematosus type 16. Last evaluated: 2024-03-21. Review status: criteria provided, single submitter. Criteria: ACMG Guidelines, 2015. Collection method: clinical testing. Allele origin: germline.

Labcorp Genetics (formerly Invitae), Labcorp
Classification: Uncertain significance. Last evaluated: 2022-04-10. Review status: criteria provided, single submitter. Criteria: Invitae Variant Classification Sherloc (09022015). Collection method: clinical testing. Allele origin: germline.
Comment: This sequence change replaces threonine, which is neutral and polar, with proline, which is neutral and non-polar, at codon 156 of the DNASE1L3 protein (p.Thr156Pro). This variant is present in population databases (rs147219402, gnomAD 0.01%). This variant has not been reported in the literature in individuals affected with DNASE1L3-related conditions. Algorithms developed to predict the effect of missense changes on protein structure and function are either unavailable or do not agree on the potential impact of this missense change (SIFT: "Deleterious"; PolyPhen-2: "Probably Damaging"; Align-GVGD: "Class C0"). Experimental studies have shown that this missense change affects DNASE1L3 function (PMID: 24206041). In summary, the available evidence is currently insufficient to determine the role of this variant in disease. Therefore, it has been classified as a Variant of Uncertain Significance.

Literature cited by the submitters: PubMed 24206041 (cited by Labcorp Genetics (formerly Invitae), Labcorp).

NM_004944.4(DNASE1L3):c.466A>C (p.Thr156Pro)

Gene: DNASE1L3 (deoxyribonuclease 1L3; minus strand). Cytogenetic location: 3p14.3.
Variant type: single nucleotide variant.
Coding change: c.466A>C on transcript NM_004944.4 (MANE Select); coding-DNA position 466, A replaced by C.
Protein change: p.Thr156Pro; replaces threonine 156 with proline.
Molecular consequence: missense variant.
Genome position (GRCh38, 1-based): chr3:58,201,077, T>G on the plus strand (A>C on the coding strand, the complement: DNASE1L3 is on the minus strand). VCF-style: chr3-58201077-T-G. GRCh37 (hg19) VCF-style: chr3-58186804-T-G.
Other names: c.376A>C, p.Thr126Pro (NM_001256560.2); short protein forms T126P, T156P.
Identifiers: ClinVar variation 2203399 (VCV002203399.2), dbSNP rs147219402, ClinGen allele CA2469973.